The following is an entry in ClinVar:

ClinVar aggregate classification (germline): Likely benign (1 of 4 stars; one submission).

Conditions:
Intestinal hypomagnesemia 1. Also called: HYPOMAGNESEMIA, INTESTINAL, WITH SECONDARY HYPOCALCEMIA; HYPOMAGNESEMIC TETANY. Identifiers: Orphanet 30924, MedGen C1865974, MONDO:0011176, OMIM 602014.

Allele frequency attached by ClinVar (database versions not stated): gnomAD 0.00055 and 0.00074; TOPMed 0.00064; 1000 Genomes Project 0.00319; 1000 Genomes Project 30x 0.00328.

Submission:

Illumina Laboratory Services, Illumina
Classification: Likely benign for Intestinal hypomagnesemia 1. Last evaluated: 2018-01-13. Review status: criteria provided, single submitter. Criteria: ICSL Variant Classification Criteria 13 December 2019. Collection method: clinical testing. Allele origin: germline.
Comment: This variant was observed in the ICSL laboratory as part of a predisposition screen in an ostensibly healthy population. It had not been previously curated by ICSL or reported in the Human Gene Mutation Database (HGMD: prior to June 1st, 2018), and was therefore a candidate for classification through an automated scoring system. Utilizing variant allele frequency, disease prevalence and penetrance estimates, and inheritance mode, an automated score was calculated to assess if this variant is too frequent to cause the disease. Based on the score and internal cut-off values, a variant classified as likely benign is not then subjected to further curation. The score for this variant resulted in a classification of likely benign for this disease.

NM_017662.5(TRPM6):c.*1784A>G

Gene: TRPM6 (transient receptor potential cation channel subfamily M member 6; minus strand). Cytogenetic location: 9q21.13.
Variant type: single nucleotide variant.
Coding change: c.*1784A>G on transcript NM_017662.5 (MANE Select); 1784 bases downstream of the stop codon, A replaced by G.
Molecular consequence: 3 prime UTR variant.
Genome position (GRCh38, 1-based): chr9:74,722,829, T>C on the plus strand (A>G on the coding strand, the complement: TRPM6 is on the minus strand). VCF-style: chr9-74722829-T-C. GRCh37 (hg19) VCF-style: chr9-77337745-T-C.
Other names: c.*1784A>G (NM_001177310.2, NM_001177311.2).
Identifiers: ClinVar variation 912869 (VCV000912869.4), dbSNP rs143290917, ClinGen allele CA193286491.